The following is an entry in ClinVar:

ClinVar aggregate classification (germline): Benign. Review status: criteria provided, multiple submitters, no conflicts (2 of 4 stars). 10 submissions from 10 submitters: Benign (8). 2 of the submissions do not count toward it. Last evaluated 2026-02-04.

Conditions:
Inborn genetic diseases. Identifiers: MedGen C0950123, MeSH D030342.
Cohen syndrome (COH1). Also called: Cutis verticis gyrata, retinitis pigmentosa, and sensorineural deafness; PEPPER SYNDROME. Identifiers: Orphanet 193, MedGen C0265223, MONDO:0008999, OMIM 216550.

Allele frequency attached by ClinVar (database versions not stated): gnomAD 0.03200 and 0.03400; 1000 Genomes Project 0.04054; 1000 Genomes Project 30x 0.04450; TOPMed 0.03584; ESP Exome Variant Server 0.03737.
gnomAD v4.1: 9,472 of 1,614,200 alleles (0.59%); highest among the groups gnomAD compares: African/African-American, 11%; 453 homozygotes.

Submissions (10):

Labcorp Genetics (formerly Invitae), Labcorp
Classification: Benign for Cohen syndrome. Last evaluated: 2026-02-04. Review status: criteria provided, single submitter. Criteria: Invitae Variant Classification Sherloc (09022015). Collection method: clinical testing. Allele origin: germline.

Women's Health and Genetics/Laboratory Corporation of America, LabCorp
Classification: Benign. Last evaluated: 2026-01-21. Review status: criteria provided, single submitter. Criteria: LabCorp Variant Classification Summary - May 2015. Collection method: clinical testing. Allele origin: germline.

Athena Diagnostics
Classification: Benign. Last evaluated: 2018-08-30. Review status: criteria provided, single submitter. Criteria: Athena Diagnostics Criteria. Collection method: clinical testing. Allele origin: germline.

Mayo Clinic Laboratories, Mayo Clinic
Classification: Benign. Last evaluated: 2018-06-22. Review status: criteria provided, single submitter. Criteria: ACMG Guidelines, 2015. Collection method: clinical testing. Allele origin: germline. Observed: 55 variant alleles.

Illumina Laboratory Services, Illumina
Classification: Benign for Cohen syndrome. Last evaluated: 2018-01-13. Review status: criteria provided, single submitter. Criteria: ICSL Variant Classification Criteria 13 December 2019. Collection method: clinical testing. Allele origin: germline.
Comment: This variant was observed in the ICSL laboratory as part of a predisposition screen in an ostensibly healthy population. It had not been previously curated by ICSL or reported in the Human Gene Mutation Database (HGMD: prior to June 1st, 2018), and was therefore a candidate for classification through an automated scoring system. Utilizing variant allele frequency, disease prevalence and penetrance estimates, and inheritance mode, an automated score was calculated to assess if this variant is too frequent to cause the disease. Based on the score and internal cut-off values, a variant classified as benign is not then subjected to further curation. The score for this variant resulted in a classification of benign for this disease.

Ambry Genetics
Classification: Benign for Inborn genetic diseases. Last evaluated: 2016-05-26. Review status: criteria provided, single submitter. Criteria: Ambry Variant Classification Scheme 2023. Collection method: clinical testing. Allele origin: germline.

GeneDx
Classification: Benign. Last evaluated: 2015-03-03. Review status: criteria provided, single submitter. Criteria: GeneDx Variant Classification Process June 2021. Collection method: clinical testing. Allele origin: germline. Affected: yes.

Breakthrough Genomics
Classification: Benign. Review status: criteria provided, single submitter. Criteria: ACMG Guidelines, 2015. Collection method: not provided. Allele origin: germline. Inheritance: Autosomal recessive inheritance. Affected: yes.

Natera, Inc.
Classification: Benign for Cohen syndrome. Last evaluated: 2020-09-16. Review status: no assertion criteria provided. Collection method: clinical testing. Allele origin: germline. Not counted in ClinVar's aggregate classification.

Genetic Services Laboratory, University of Chicago
Classification: Likely benign for AllHighlyPenetrant. Review status: no assertion criteria provided. Collection method: clinical testing. Allele origin: germline. Inheritance: Autosomal recessive inheritance. Not counted in ClinVar's aggregate classification.
Comment: Likely benign based on allele frequency in 1000 Genomes Project or ESP global frequency and its presence in a patient with a rare or unrelated disease phenotype. NOT Sanger confirmed.

NM_152564.5(VPS13B):c.11565A>G (p.Ser3855=)

Gene: VPS13B (vacuolar protein sorting 13 homolog B; plus strand). Cytogenetic location: 8q22.2.
Variant type: single nucleotide variant.
Coding change: c.11565A>G on transcript NM_152564.5 (MANE Select); coding-DNA position 11565, A replaced by G.
Protein change: p.Ser3855=; no amino-acid change (serine 3855 retained).
Molecular consequence: synonymous variant.
Genome position (GRCh38, 1-based): chr8:99,871,517, A>G. VCF-style: chr8-99871517-A-G. GRCh37 (hg19) VCF-style: chr8-100883745-A-G.
Other names: p.Ser3880=; c.11640A>G, p.Ser3880= (NM_017890.5).
Identifiers: ClinVar variation 130721 (VCV000130721.30), dbSNP rs7844645, ClinGen allele CA155941.